The following is an entry in ClinVar:

NM_003073.5(SMARCB1):c.771G>C (p.Gln257His)

Gene: SMARCB1 (SWI/SNF related BAF chromatin remodeling complex subunit B1; plus strand). Cytogenetic location: 22q11.23.
Variant type: single nucleotide variant.
Coding change: c.771G>C on transcript NM_003073.5 (MANE Select); coding-DNA position 771, G replaced by C.
Protein change: p.Gln257His; replaces glutamine 257 with histidine.
Molecular consequence: missense variant.
Genome position (GRCh38, 1-based): chr22:23,816,912, G>C. VCF-style: chr22-23816912-G-C. GRCh37 (hg19) VCF-style: chr22-24159099-G-C.
Other names: c.744G>C, p.Gln248His (NM_001007468.3); c.798G>C, p.Gln266His (NM_001317946.2); c.825G>C, p.Gln275His (NM_001362877.2); short protein forms Q248H, Q257H, Q266H, Q275H.
Identifiers: ClinVar variation 1716147 (VCV001716147.5), dbSNP rs1930228477, ClinGen allele CA410901878.

ClinVar aggregate classification (germline): Uncertain significance (1 of 4 stars; one submission).

Submission:

Labcorp Genetics (formerly Invitae), Labcorp
Classification: Uncertain significance. Last evaluated: 2022-10-09. Review status: criteria provided, single submitter. Criteria: Invitae Variant Classification Sherloc (09022015). Collection method: clinical testing. Allele origin: germline.
Comment: This sequence change replaces glutamine, which is neutral and polar, with histidine, which is basic and polar, at codon 257 of the SMARCB1 protein (p.Gln257His). This variant is not present in population databases (gnomAD no frequency). This variant has not been reported in the literature in individuals affected with SMARCB1-related conditions. Advanced modeling of protein sequence and biophysical properties (such as structural, functional, and spatial information, amino acid conservation, physicochemical variation, residue mobility, and thermodynamic stability) performed at Invitae indicates that this missense variant is not expected to disrupt SMARCB1 protein function. In summary, the available evidence is currently insufficient to determine the role of this variant in disease. Therefore, it has been classified as a Variant of Uncertain Significance.